The following is an entry in ClinVar:

NM_000535.7(PMS2):c.507C>T (p.Arg169=)

Gene: PMS2 (PMS1 homolog 2, mismatch repair system component; minus strand). Cytogenetic location: 7p22.1.
Variant type: single nucleotide variant.
Coding change: c.507C>T on transcript NM_000535.7 (MANE Select); coding-DNA position 507, C replaced by T.
Protein change: p.Arg169=; no amino-acid change (arginine 169 retained).
Molecular consequence: synonymous variant. On other transcripts: 5 prime UTR variant (2), non-coding transcript variant (1).
Genome position (GRCh38, 1-based): chr7:6,002,483, G>A on the plus strand (C>T on the coding strand, the complement: PMS2 is on the minus strand). VCF-style: chr7-6002483-G-A. GRCh37 (hg19) VCF-style: chr7-6042114-G-A.
Other names: c.507C>T, p.Arg169= (NM_001322006.2, NM_001322014.2); c.189C>T, p.Arg63= (NM_001322007.2, NM_001322008.2); c.-378C>T (NM_001322012.2, NM_001322011.2); c.102C>T, p.Arg34= (NM_001322013.2, NM_001322010.2, NM_001322009.2 and 3 more transcripts); c.198C>T, p.Arg66= (NM_001322015.2).
Identifiers: ClinVar variation 920444 (VCV000920444.13), dbSNP rs1785194379, ClinGen allele CA453647607.

ClinVar aggregate classification (germline): Benign/Likely benign. Review status: criteria provided, multiple submitters, no conflicts (2 of 4 stars). 4 submissions from 4 submitters: Benign (1); Likely benign (3). Last evaluated 2025-11-09.

Conditions:
Hereditary cancer-predisposing syndrome. Also called: Neoplastic Syndromes, Hereditary; Tumor predisposition; Hereditary Cancer Syndrome; Hereditary neoplastic syndrome. Identifiers: Orphanet 140162, MedGen C0027672, MeSH D009386, MONDO:0015356.
Hereditary nonpolyposis colorectal neoplasms. Identifiers: MedGen C0009405, MeSH D003123.
Lynch syndrome 4 (LYNCH4). Also called: Colorectal cancer, hereditary nonpolyposis, type 4; Hereditary non-polyposis colorectal cancer, type 4. Identifiers: Orphanet 144, MedGen C1838333, MONDO:0013699, OMIM 614337. Disease mechanism: loss of function.

Submissions (4):

Labcorp Genetics (formerly Invitae), Labcorp
Classification: Likely benign for Hereditary nonpolyposis colorectal neoplasms. Last evaluated: 2025-11-09. Review status: criteria provided, single submitter. Criteria: Invitae Variant Classification Sherloc (09022015). Collection method: clinical testing. Allele origin: germline.

Myriad Genetics, Inc.
Classification: Benign for Lynch syndrome 4. Last evaluated: 2025-01-27. Review status: criteria provided, single submitter. Criteria: Myriad Autosomal Dominant, Autosomal Recessive and X-Linked Classification Criteria (2023). Collection method: clinical testing. Allele origin: unknown.
Comment: This variant is considered benign. This variant is a silent/synonymous amino acid change and it is not expected to impact splicing.

Ambry Genetics
Classification: Likely benign for Hereditary cancer-predisposing syndrome. Last evaluated: 2019-10-21. Review status: criteria provided, single submitter. Criteria: Ambry Variant Classification Scheme 2023. Collection method: clinical testing. Allele origin: germline.

Color Diagnostics, LLC DBA Color Health
Classification: Likely benign for Hereditary cancer-predisposing syndrome. Last evaluated: 2019-05-07. Review status: criteria provided, single submitter. Criteria: ACMG Guidelines, 2015. Collection method: clinical testing. Allele origin: germline.